The following is an entry in ClinVar:

ClinVar aggregate classification (germline): Uncertain significance. Review status: criteria provided, multiple submitters, no conflicts (2 of 4 stars). 3 submissions from 3 submitters: Uncertain significance (3). Last evaluated 2024-03-13.

Conditions:
RYR1-related disorder. Also called: RYR1-related disorders; RYR1-related condition. Identifiers: MedGen CN239331.
Malignant hyperthermia, susceptibility to, 1 (MHS1). Also called: Malignant hyperthermia suceptibility 1; RYR1-Related Malignant Hyperthermia Susceptibility; Anesthesia related hyperthermia; Malignant hyperpyrexia; Fulminating hyperpyrexia; Pharmacogenic myopathy. Identifiers: Orphanet 423, MedGen C2930980, MONDO:0007783, OMIM 145600.

Allele frequency attached by ClinVar (database versions not stated): TOPMed below 0.00001; gnomAD exomes 0.00001.
gnomAD v4.1: 14 of 1,613,080 alleles (0.00087%); highest among the groups gnomAD compares: Middle Eastern, 0.033%; no homozygotes.

Submissions (3):

GeneDx
Classification: Uncertain significance. Last evaluated: 2024-03-13. Review status: criteria provided, single submitter. Criteria: GeneDx Variant Classification Process June 2021. Collection method: clinical testing. Allele origin: germline. Affected: yes.
Comment: Reported as a de novo variant in an individual from a large cohort study of autism spectrum disorder; no further clinical details were provided (PMID: 28714951); Not observed at significant frequency in large population cohorts (gnomAD); In silico analysis supports that this missense variant has a deleterious effect on protein structure/function; This variant is associated with the following publications: (PMID: 35982160, 35982159, 28714951)

All of Us Research Program, National Institutes of Health
Classification: Uncertain significance for Malignant hyperthermia, susceptibility to, 1. Last evaluated: 2023-12-13. Review status: criteria provided, single submitter. Criteria: ACMG Guidelines, 2015. Collection method: clinical testing. Allele origin: germline. Inheritance: Autosomal dominant inheritance. Observed: 1 variant allele, 1 heterozygote.
Comment: This missense variant replaces arginine with histidine at codon 1015 of the RYR1 protein. Computational prediction suggests that this variant may not impact protein structure and function (internally defined REVEL score threshold <= 0.6, PMID: 27666373). To our knowledge, functional studies have not been reported for this variant. This variant has not been reported in individuals affected with RYR1-related disorders in the literature. This variant has been identified in 2/247570 chromosomes in the general population by the Genome Aggregation Database (gnomAD). The available evidence is insufficient to determine the role of this variant in disease conclusively. Therefore, this variant is classified as a Variant of Uncertain Significance.

This study involves interpretation of variants in research participants for the purpose of population health screening. Participant phenotype was not available at the time of variant classification. Additional details can be found in publication PMID: 35346344, PMCID: PMC8962531

Labcorp Genetics (formerly Invitae), Labcorp
Classification: Uncertain significance for RYR1-related disorder. Last evaluated: 2022-08-22. Review status: criteria provided, single submitter. Criteria: Invitae Variant Classification Sherloc (09022015). Collection method: clinical testing. Allele origin: germline.
Comment: This sequence change replaces arginine, which is basic and polar, with histidine, which is basic and polar, at codon 1015 of the RYR1 protein (p.Arg1015His). The frequency data for this variant in the population databases is considered unreliable, as metrics indicate poor data quality at this position in the gnomAD database. This variant has not been reported in the literature in individuals affected with RYR1-related conditions. ClinVar contains an entry for this variant (Variation ID: 838886). Advanced modeling of protein sequence and biophysical properties (such as structural, functional, and spatial information, amino acid conservation, physicochemical variation, residue mobility, and thermodynamic stability) performed at Invitae indicates that this missense variant is not expected to disrupt RYR1 protein function. In summary, the available evidence is currently insufficient to determine the role of this variant in disease. Therefore, it has been classified as a Variant of Uncertain Significance.

NM_000540.3(RYR1):c.3044G>A (p.Arg1015His)

Gene: RYR1 (ryanodine receptor 1; plus strand). Cytogenetic location: 19q13.2.
Variant type: single nucleotide variant.
Coding change: c.3044G>A on transcript NM_000540.3 (MANE Select); coding-DNA position 3044, G replaced by A.
Protein change: p.Arg1015His; replaces arginine 1015 with histidine.
Molecular consequence: missense variant.
Genome position (GRCh38, 1-based): chr19:38,466,264, G>A. VCF-style: chr19-38466264-G-A. GRCh37 (hg19) VCF-style: chr19-38956904-G-A.
Other names: c.3044G>A, p.Arg1015His (NM_001042723.2); short protein forms R1015H.
Identifiers: ClinVar variation 838886 (VCV000838886.8), dbSNP rs1202647394, ClinGen allele CA405635234.
Genomic context (GRCh38, chr19:38,466,264, plus strand): 5'-GGGCCCGAGACCGCGTGGGCCAGGGCTGGAGCTACAGCGCAGTGCAGGACATCCCAGCGC[G>A]CCGAAACCCTCGGCTGGTGCCCTACCGCCTGCTGGATGAAGCCACCAAGCGCAGCAACCG-3'
Protein context (NP_000531.2, residues 1005-1025): SYSAVQDIPA[Arg1015His]RNPRLVPYRL